The following is an entry in ClinVar:

NM_001365536.1(SCN9A):c.4636G>A (p.Val1546Ile)

Genes: SCN1A-AS1 (SCN1A and SCN9A antisense RNA 1; plus strand), SCN9A (sodium voltage-gated channel alpha subunit 9; minus strand). Cytogenetic location: 2q24.3.
Variant type: single nucleotide variant.
Coding change: c.4636G>A on transcript NM_001365536.1 (MANE Select); coding-DNA position 4636, G replaced by A.
Protein change: p.Val1546Ile; replaces valine 1546 with isoleucine.
Molecular consequence: missense variant.
Genome position (GRCh38, 1-based): chr2:166,204,093, C>T on the plus strand (G>A on the coding strand, the complement: SCN9A is on the minus strand). VCF-style: chr2-166204093-C-T. GRCh37 (hg19) VCF-style: chr2-167060603-C-T.
Other names: c.4603G>A, p.Val1535Ile (NM_002977.4); short protein forms V1535I, V1546I.
Identifiers: ClinVar variation 1022255 (VCV001022255.9), dbSNP rs1693674665, ClinGen allele CA349057603.

ClinVar aggregate classification (germline): Uncertain significance (1 of 4 stars; one submission).

Conditions:
Neuropathy, hereditary sensory and autonomic, type 2A (HSAN2A). Also called: HSAN IIA; MORVAN DISEASE; NEUROPATHY, CONGENITAL SENSORY; NEUROPATHY, HEREDITARY SENSORY RADICULAR, AUTOSOMAL RECESSIVE; NEUROPATHY, HEREDITARY SENSORY, TYPE IIA; NEUROPATHY, PROGRESSIVE SENSORY, OF CHILDREN. Identifiers: Orphanet 970, MedGen C2752089, MONDO:0024309, OMIM 201300.
Generalized epilepsy with febrile seizures plus, type 7 (GEFSP7). Also called: GEFS+, TYPE 7. Identifiers: Orphanet 36387, MedGen C2751778, MONDO:0013470, OMIM 613863.

Submission:

Labcorp Genetics (formerly Invitae), Labcorp
Classification: Uncertain significance for Neuropathy, hereditary sensory and autonomic, type 2A; Generalized epilepsy with febrile seizures plus, type 7. Last evaluated: 2022-07-05. Review status: criteria provided, single submitter. Criteria: Invitae Variant Classification Sherloc (09022015). Collection method: clinical testing. Allele origin: germline.
Comment: This sequence change replaces valine, which is neutral and non-polar, with isoleucine, which is neutral and non-polar, at codon 1535 of the SCN9A protein (p.Val1535Ile). This variant is not present in population databases (gnomAD no frequency). This variant has not been reported in the literature in individuals affected with SCN9A-related conditions. ClinVar contains an entry for this variant (Variation ID: 1022255). Algorithms developed to predict the effect of missense changes on protein structure and function output the following: SIFT: "Tolerated"; PolyPhen-2: "Benign"; Align-GVGD: "Class C0". The isoleucine amino acid residue is found in multiple mammalian species, which suggests that this missense change does not adversely affect protein function. In summary, the available evidence is currently insufficient to determine the role of this variant in disease. Therefore, it has been classified as a Variant of Uncertain Significance.